The following is an entry in ClinVar:

NM_001113378.2(FANCI):c.1914A>G (p.Lys638=)

Gene: FANCI (FA complementation group I; plus strand). Cytogenetic location: 15q26.1.
Variant type: single nucleotide variant.
Coding change: c.1914A>G on transcript NM_001113378.2 (MANE Select); coding-DNA position 1914, A replaced by G.
Protein change: p.Lys638=; no amino-acid change (lysine 638 retained).
Molecular consequence: synonymous variant.
Genome position (GRCh38, 1-based): chr15:89,291,636, A>G. VCF-style: chr15-89291636-A-G. GRCh37 (hg19) VCF-style: chr15-89834867-A-G.
Other names: c.1635A>G, p.Lys545= (NM_001376910.1); c.1914A>G, p.Lys638= (NM_001376911.1, NM_018193.3).
Identifiers: ClinVar variation 2645681 (VCV002645681.24), dbSNP rs767806212, ClinGen allele CA7723218.

ClinVar aggregate classification (germline): Likely benign (1 of 4 stars; one submission).

Allele frequency attached by ClinVar (database versions not stated): gnomAD exomes below 0.00001; ExAC 0.00001; TOPMed 0.00001.
gnomAD v4.1: 1 of 1,613,830 alleles (0.000062%); highest among the groups gnomAD compares: Non-Finnish European, 0.000085%; no homozygotes.

Submission:

CeGaT Center for Human Genetics Tuebingen
Classification: Likely benign. Last evaluated: 2024-10-01. Review status: criteria provided, single submitter. Criteria: CeGaT Center For Human Genetics Tuebingen Variant Classification Criteria Version 2. Collection method: clinical testing. Allele origin: germline. Affected: yes. Observed: 3 variant alleles.
Comment: FANCI: BP4, BP7